The following is an entry in ClinVar:

NM_001401501.2(MUC16):c.44922G>A (p.Arg14974=)

Gene: MUC16 (mucin 16, cell surface associated; minus strand). Cytogenetic location: 19p13.2.
Variant type: single nucleotide variant.
Coding change: c.44922G>A on transcript NM_001401501.2 (MANE Select); coding-DNA position 44922, G replaced by A.
Protein change: p.Arg14974=; no amino-acid change (arginine 14974 retained).
Molecular consequence: synonymous variant.
Genome position (GRCh38, 1-based): chr19:8,865,756, C>T on the plus strand (G>A on the coding strand, the complement: MUC16 is on the minus strand). VCF-style: chr19-8865756-C-T. GRCh37 (hg19) VCF-style: chr19-8976432-C-T.
Other names: c.45348G>A, p.Arg15116= (NM_001414686.1); c.44802G>A, p.Arg14934= (NM_001414687.1); c.42396G>A, p.Arg14132= (NM_024690.2).
Identifiers: ClinVar variation 3052727 (VCV003052727.2), dbSNP rs202038234, ClinGen allele CA9162383.
Genomic context (GRCh38, chr19:8,865,756, plus strand): 5'-AGGGTCAGGGTGGTAGGTGCAGGTGGTGTCCACACCAGTGGCTGCCCCATCCTTCTCAGG[C>T]CTGGGGAGAGAGGCATTTGAGGACTCTAGAGAGGTCCCGAGACCTCTGCAGGTAAAGAGC-3'
Protein context (NP_001388430.1, residues 14964-14984): FYLGCQLISL[Arg14974=]PEKDGAATGV

ClinVar aggregate classification (germline): Likely benign (0 of 4 stars; one submission).

Conditions:
MUC16-related disorder. Also called: MUC16-related condition.

Allele frequency attached by ClinVar (database versions not stated): TOPMed 0.00003; ExAC 0.00004; gnomAD 0.00004; gnomAD exomes 0.00004.

Submission:

PreventionGenetics, part of Exact Sciences
Classification: Likely benign for MUC16-related condition. Last evaluated: 2019-08-15. Review status: no assertion criteria provided. Collection method: clinical testing. Allele origin: germline.
Comment: This variant is classified as likely benign based on ACMG/AMP sequence variant interpretation guidelines (Richards et al. 2015 PMID: 25741868, with internal and published modifications).